The following is an entry in ClinVar:

NM_000277.3(PAH):c.716G>T (p.Gly239Val)

Gene: PAH (phenylalanine hydroxylase; minus strand). Cytogenetic location: 12q23.2.
Variant type: single nucleotide variant.
Coding change: c.716G>T on transcript NM_000277.3 (MANE Select); coding-DNA position 716, G replaced by T.
Protein change: p.Gly239Val; replaces glycine 239 with valine.
Molecular consequence: missense variant.
Genome position (GRCh38, 1-based): chr12:102,852,941, C>A on the plus strand (G>T on the coding strand, the complement: PAH is on the minus strand). VCF-style: chr12-102852941-C-A. GRCh37 (hg19) VCF-style: chr12-103246719-C-A.
Other names: c.716G>T, p.Gly239Val (NM_001354304.2); c.716G>T (NM_000277.2); short protein forms G239V.
Identifiers: ClinVar variation 102800 (VCV000102800.19), dbSNP rs62507283, ClinGen allele CA229711.
Genomic context (GRCh38, chr12:102,852,941, plus strand): 5'-GCCAGGCCACCCAAGAAATCCCGAGAGGAAAGCAGGCCAGCCACAGGTCGGAGGCGGAAA[C>A]CAGTGCAAGCTGGGATGAAAAGAAGAAAGAAAACTCAAAGCTCATCACCACTGAGTCAGA-3'
Protein context (NP_000268.1, residues 229-249): DVSQFLQTCT[Gly239Val]FRLRPVAGLL

ClinVar aggregate classification (germline): Likely pathogenic. Review status: reviewed by expert panel (3 of 4 stars). 6 submissions from 6 submitters: Likely pathogenic (1). 5 of the submissions do not count toward it. Last evaluated 2020-10-23.

Conditions:
Phenylketonuria (PKU). Also called: OLIGOPHRENIA PHENYLPYRUVICA; Phenylketonurias; Phenylketonuria (PKU); FOLLING DISEASE. Identifiers: Orphanet 716, MedGen C0031485, MONDO:0009861, OMIM 261600. Disease mechanism: loss of function.

Allele frequency attached by ClinVar (database versions not stated): gnomAD 0.00001.
gnomAD v4.1: 1 of 1,613,906 alleles (0.000062%); highest among the groups gnomAD compares: Non-Finnish European, 0.000085%; no homozygotes.

Submissions (6):

ClinGen PAH Variant Curation Expert Panel
Classification: Likely pathogenic for Phenylketonuria. Last evaluated: 2020-10-23. Review status: reviewed by expert panel. Criteria: ClinGen PAH ACMG Specifications v1. Collection method: curation. Allele origin: germline. Inheritance: Autosomal recessive inheritance.
Comment: The c.716G>T (p.Gly239Val) variant in PAH has been reported in 2 individuals with classic PKU (PMID 10394930, 31623983) detected with pathogenic variants p.R408W and IVS10â€“11g>a (PMID: 32106880). This variant has extremely low frequency in gnomAD (MAF=0.00006). Computational evidence supports a deleterious effect. In summary, this variant meets criteria to be classified as likely pathogenic for PAH. PAH-specific ACMG/AMP criteria applied: PP4, PM2, PM3, PP3.

Labcorp Genetics (formerly Invitae), Labcorp
Classification: Pathogenic for Phenylketonuria. Last evaluated: 2025-09-25. Review status: criteria provided, single submitter. Criteria: Invitae Variant Classification Sherloc (09022015). Collection method: clinical testing. Allele origin: germline. Not counted in ClinVar's aggregate classification.
Comment: This sequence change replaces glycine, which is neutral and non-polar, with valine, which is neutral and non-polar, at codon 239 of the PAH protein (p.Gly239Val). This variant is not present in population databases (gnomAD no frequency). This missense change has been observed in individual(s) with PAH-related conditions (PMID: 23357515; internal data). ClinVar contains an entry for this variant (Variation ID: 102800). Invitae Evidence Modeling of protein sequence and biophysical properties (such as structural, functional, and spatial information, amino acid conservation, physicochemical variation, residue mobility, and thermodynamic stability) indicates that this missense variant is expected to disrupt PAH protein function with a positive predictive value of 80%. This variant disrupts the p.Gly239 amino acid residue in PAH. Other variant(s) that disrupt this residue have been observed in individuals with PAH-related conditions (PMID: 7833954, 29499199; internal data), which suggests that this may be a clinically significant amino acid residue. For these reasons, this variant has been classified as Pathogenic.

Natera, Inc.
Classification: Pathogenic for Phenylketonuria. Last evaluated: 2025-02-21. Review status: criteria provided, single submitter. Criteria: Natera Variant Classification Schema (03/2026). Collection method: clinical testing. Allele origin: germline. Not counted in ClinVar's aggregate classification.
Comment: The c.716G>T variant in PAH is a missense variant predicted to cause substitution of glycine to valine at amino acid 239. This variant is rare in the general population with a frequency below the threshold expected for the associated phenotype(s). This variant has been observed in one or more individuals affected with the associated recessive disease, as either homozygous or compound heterozygous with a second variant (PMID: 23430918, 32106880, 22526846). This variant has been found together with another disease-causing variant in the same copy of the gene (PMID: 23357515). A different variant at the same position has been determined to be Pathogenic or Likely Pathogenic. Computational prediction algorithms indicate this variant is likely to affect gene or protein function. Given the available evidence, this variant is classified as Pathogenic.

Women's Health and Genetics/Laboratory Corporation of America, LabCorp
Classification: Pathogenic for Phenylketonuria. Last evaluated: 2023-04-26. Review status: criteria provided, single submitter. Criteria: LabCorp Variant Classification Summary - May 2015. Collection method: clinical testing. Allele origin: germline. Not counted in ClinVar's aggregate classification.
Comment: Variant summary: PAH c.716G>T (p.Gly239Val) results in a non-conservative amino acid change located in the catalytic domain (IPR041912) of the encoded protein sequence. Five of five in-silico tools predict a damaging effect of the variant on protein function. The variant was absent in 250956 control chromosomes (gnomAD). c.716G>T has been reported in the literature in individuals affected with Phenylalanine Hydroxylase Deficiency (Phenylketonuria) (e.g. Zschocke_1999, Sarkissian_2011, Sterl_2013, Reblova_2013, Rajabi_2019, Hillert_2020). These data indicate that the variant is likely to be associated with disease. To our knowledge, no experimental evidence demonstrating an impact on protein function has been reported. However, several other missense changes affecting the same amino acid (G239A/D/S) are reported in affected individuals (HGMD), supporting the clinical importance of this residue. The following publications have been ascertained in the context of this evaluation (PMID: 10394930, 23430918, 22526846, 23357515, 31623983, 32668217). Three submitters, including an expert panel (ClinGen PAH Variant Curation Expert Panel), have provided clinical-significance assessments for this variant in ClinVar after 2014, and classified the variant as pathogenic (n=1), likely pathogenic (n=1; i.e. the expert panel), or VUS (n=1). Based on the evidence outlined above, the variant was classified as pathogenic.

Eurofins Ntd Llc (ga)
Classification: Uncertain significance. Last evaluated: 2015-09-29. Review status: criteria provided, single submitter. Criteria: EGL Classification Definitions 2015. Collection method: clinical testing. Allele origin: germline. Observed: 1 variant allele, 1 heterozygote. Not counted in ClinVar's aggregate classification.

DeBelle Laboratory for Biochemical Genetics, MUHC/MCH RESEARCH INSTITUTE
No classification provided. Review status: no classification provided. Collection method: not provided. Allele origin: not provided. Not counted in ClinVar's aggregate classification.

Literature cited by the submitters: PubMed 31623983 (cited by ClinGen PAH Variant Curation Expert Panel and Women's Health and Genetics/Laboratory Corporation of America, LabCorp); PubMed 32106880 (cited by ClinGen PAH Variant Curation Expert Panel and Natera, Inc.); PubMed 10394930 (cited by 3 submitters); PubMed 23357515 (cited by 3 submitters); PubMed 7833954 (cited by Labcorp Genetics (formerly Invitae), Labcorp); PubMed 29499199 (cited by Labcorp Genetics (formerly Invitae), Labcorp); PubMed 23430918 (cited by Natera, Inc. and Women's Health and Genetics/Laboratory Corporation of America, LabCorp); PubMed 22526846 (cited by Natera, Inc. and Women's Health and Genetics/Laboratory Corporation of America, LabCorp); PubMed 32668217 (cited by Women's Health and Genetics/Laboratory Corporation of America, LabCorp).